The following is an entry in ClinVar:

ClinVar aggregate classification (germline): Likely benign. Review status: criteria provided, multiple submitters, no conflicts (2 of 4 stars). 3 submissions from 3 submitters: Likely benign (2). 1 of the submissions does not count toward it. Last evaluated 2025-02-10.

Conditions:
Joubert syndrome. Also called: Familial aplasia of the vermis; JOUBERT-BOLTSHAUSER SYNDROME. Identifiers: Orphanet 475, MedGen C5979921, MONDO:0018772.
INPP5E-related disorder. Also called: INPP5E-related condition.

Allele frequency attached by ClinVar (database versions not stated): gnomAD 0.00001; ExAC 0.00003; TOPMed 0.00005; gnomAD exomes 0.00007 and 0.00014.
gnomAD v4.1: 198 of 1,607,218 alleles (0.012%); highest among the groups gnomAD compares: Non-Finnish European, 0.016%; no homozygotes.

Submissions (3):

Labcorp Genetics (formerly Invitae), Labcorp
Classification: Likely benign for Joubert syndrome. Last evaluated: 2025-02-10. Review status: criteria provided, single submitter. Criteria: Invitae Variant Classification Sherloc (09022015). Collection method: clinical testing. Allele origin: germline.

Blueprint Genetics
Classification: Likely benign. Last evaluated: 2022-06-22. Review status: criteria provided, single submitter. Criteria: ACMG Guidelines, 2015. Collection method: clinical testing. Allele origin: germline.

PreventionGenetics, part of Exact Sciences
Classification: Likely benign for INPP5E-related condition. Last evaluated: 2023-09-28. Review status: no assertion criteria provided. Collection method: clinical testing. Allele origin: germline. Not counted in ClinVar's aggregate classification.
Comment: This variant is classified as likely benign based on ACMG/AMP sequence variant interpretation guidelines (Richards et al. 2015 PMID: 25741868, with internal and published modifications).

NM_019892.6(INPP5E):c.1551G>T (p.Gly517=)

Gene: INPP5E (inositol polyphosphate-5-phosphatase E; minus strand). Cytogenetic location: 9q34.3.
Variant type: single nucleotide variant.
Coding change: c.1551G>T on transcript NM_019892.6 (MANE Select); coding-DNA position 1551, G replaced by T.
Protein change: p.Gly517=; no amino-acid change (glycine 517 retained).
Molecular consequence: synonymous variant.
Genome position (GRCh38, 1-based): chr9:136,431,116, C>A on the plus strand (G>T on the coding strand, the complement: INPP5E is on the minus strand). VCF-style: chr9-136431116-C-A. GRCh37 (hg19) VCF-style: chr9-139325568-C-A.
Other names: c.1551G>T (NM_019892.5); c.1548G>T, p.Gly516= (NM_001318502.2).
Identifiers: ClinVar variation 1580832 (VCV001580832.11), dbSNP rs201644680, ClinGen allele CA5336727.